The following is an entry in ClinVar:

ClinVar aggregate classification (germline): Pathogenic. Review status: criteria provided, multiple submitters, no conflicts (2 of 4 stars). 3 submissions from 3 submitters: Pathogenic (3). Last evaluated 2026-08-14.

Conditions:
Hereditary cancer-predisposing syndrome. Also called: Hereditary Cancer Syndrome; Neoplastic Syndromes, Hereditary; Hereditary neoplastic syndrome; Tumor predisposition. Identifiers: Orphanet 140162, MedGen C0027672, MeSH D009386, MONDO:0015356.
BAP1-related tumor predisposition syndrome (TPDS1). Also called: TUMOR PREDISPOSITION SYNDROME 1; BAP1 tumor predisposition syndrome; Tumor susceptibility linked to germline BAP1 mutations; COMMON Syndrome. Identifiers: Orphanet 289539, MedGen C3280492, MONDO:0013692, OMIM 614327.

Submissions (3):

Myriad Genetics, Inc.
Classification: Pathogenic for BAP1-related tumor predisposition syndrome. Last evaluated: 2026-08-14. Review status: criteria provided, single submitter. Criteria: Myriad Autosomal Dominant, Autosomal Recessive and X-Linked Classification Criteria (2023). Collection method: clinical testing. Allele origin: unknown.
Comment: This variant is considered pathogenic. This variant creates a termination codon and is predicted to result in premature protein truncation.

Ambry Genetics
Classification: Pathogenic for Hereditary cancer-predisposing syndrome. Last evaluated: 2026-07-27. Review status: criteria provided, single submitter. Criteria: Ambry Variant Classification Scheme 2023. Collection method: clinical testing. Allele origin: germline.
Comment: The c.1881_1882delCTinsG pathogenic mutation, located in coding exon 14 of the BAP1 gene, results from the deletion of two nucleotides and insertion of one nucleotide causing a translational frameshift with a predicted alternate stop codon (p.Y627*). This variant is considered to be rare based on population cohorts in the Genome Aggregation Database (gnomAD). This alteration is expected to result in loss of function by premature protein truncation or nonsense-mediated mRNA decay. As such, this alteration is interpreted as a disease-causing mutation.

Color Diagnostics, LLC DBA Color Health
Classification: Pathogenic for Hereditary cancer-predisposing syndrome. Last evaluated: 2020-01-15. Review status: criteria provided, single submitter. Criteria: ACMG Guidelines, 2015. Collection method: clinical testing. Allele origin: germline.
Comment: This variant is located in the BAP1 protein. Splice site prediction tools suggest that this variant may not impact RNA splicing. This variant has not been identified in the general population by the Genome Aggregation Database (gnomAD). Loss of BAP1 function is a known mechanism of disease. Based on the available evidence, this variant is classified as Pathogenic.

NM_004656.4(BAP1):c.1881_1882delinsG (p.Tyr627_Ser628delinsTer)

Gene: BAP1 (BRCA1 associated deubiquitinase 1; minus strand). Cytogenetic location: 3p21.1.
Variant type: Indel.
Coding change: c.1881_1882delinsG on transcript NM_004656.4 (MANE Select); coding-DNA positions 1881 to 1882, CT replaced by G.
Protein change: p.Tyr627_Ser628delinsTer.
Molecular consequence: nonsense.
Genome position (GRCh38, 1-based): chr3:52,403,146-52,403,147, AG replaced by C on the plus strand (CT replaced by G on the coding strand, the reverse complement: BAP1 is on the minus strand). VCF-style: chr3-52403146-AG-C. GRCh37 (hg19) VCF-style: chr3-52437162-AG-C.
Other names: c.1881_1882delCTinsG (NM_004656.2).
Identifiers: ClinVar variation 921362 (VCV000921362.5), dbSNP rs1705020162, ClinGen allele CA1139658110.
Genomic context (GRCh38, chr3:52,403,146, plus strand): 5'-CAGGCCTTACCCTCTGCCAGGATTAAAGGAGAAAACCACAACGGAGGCTCACCTTGGGTG[AG>C]TATTTCTCCCCACTCAAGGGCTCGCCAGGCCTCACCATCCCCGTCTTCTCTCTGCTGTCC-3'